The following is an entry in ClinVar:

ClinVar aggregate classification (germline): Uncertain significance. Review status: criteria provided, single submitter (1 of 4 stars). 2 submissions from 2 submitters: Uncertain significance (1). 1 of the submissions does not count toward it. Last evaluated 2025-07-29.

Conditions:
RIN2-related disorder. Also called: RIN2-related condition.

gnomAD v4.1: 1 of 1,613,928 alleles (0.000062%); highest among the groups gnomAD compares: Non-Finnish European, 0.000085%; no homozygotes.

Submissions (2):

GeneDx
Classification: Uncertain significance. Last evaluated: 2025-07-29. Review status: criteria provided, single submitter. Criteria: GeneDx Variant Classification Process June 2021. Collection method: clinical testing. Allele origin: germline. Affected: yes.
Comment: Not observed at significant frequency in large population cohorts (gnomAD); In silico analysis suggests that this missense variant does not alter protein structure/function; Has not been previously published as pathogenic or benign to our knowledge

PreventionGenetics, part of Exact Sciences
Classification: Uncertain significance for RIN2-related condition. Last evaluated: 2024-03-18. Review status: no assertion criteria provided. Collection method: clinical testing. Allele origin: germline. Not counted in ClinVar's aggregate classification.
Comment: The RIN2 c.844G>T variant is predicted to result in the amino acid substitution p.Asp282Tyr. To our knowledge, this variant has not been reported in the literature or in a large population database, indicating this variant is rare. At this time, the clinical significance of this variant is uncertain due to the absence of conclusive functional and genetic evidence.

NM_018993.4(RIN2):c.697G>T (p.Asp233Tyr)

Gene: RIN2 (Ras and Rab interactor 2; plus strand). Cytogenetic location: 20p11.23.
Variant type: single nucleotide variant.
Coding change: c.697G>T on transcript NM_018993.4 (MANE Select); coding-DNA position 697, G replaced by T.
Protein change: p.Asp233Tyr; replaces aspartic acid 233 with tyrosine.
Molecular consequence: missense variant.
Genome position (GRCh38, 1-based): chr20:19,974,722, G>T. VCF-style: chr20-19974722-G-T. GRCh37 (hg19) VCF-style: chr20-19955366-G-T.
Other names: c.844G>T, p.Asp282Tyr (NM_001242581.2); c.79G>T, p.Asp27Tyr (NM_001378238.1); c.697G>T (NM_018993.3); short protein forms D233Y, D27Y, D282Y.
Identifiers: ClinVar variation 3358341 (VCV003358341.2).
Genomic context (GRCh38, chr20:19,974,722, plus strand): 5'-AGCTCCCCAGCTGACAGCAAACCCCCGAACCTTCCACCTCCCCATAGGCCTCTTTCCTCC[G>T]ACGGTGTCTGTCCTGCCTCCCTGCGTCAGCTCTGCCTTATAAATGGAGTGCATTCTATCA-3'
Protein context (NP_061866.1, residues 223-243): LPPPHRPLSS[Asp233Tyr]GVCPASLRQL